The following is an entry in ClinVar:

NM_002016.2(FLG):c.1565C>G (p.Ser522Ter)

Genes: CCDST (cervical cancer associated DHX9 suppressive transcript; plus strand), FLG (filaggrin; minus strand). Cytogenetic location: 1q21.3.
Variant type: single nucleotide variant.
Coding change: c.1565C>G on transcript NM_002016.2 (MANE Select); coding-DNA position 1565, C replaced by G.
Protein change: p.Ser522Ter; replaces serine 522 with a stop codon.
Molecular consequence: nonsense.
Genome position (GRCh38, 1-based): chr1:152,313,321, G>C on the plus strand (C>G on the coding strand, the complement: FLG is on the minus strand). VCF-style: chr1-152313321-G-C. GRCh37 (hg19) VCF-style: chr1-152285797-G-C.
Other names: short protein forms S522*.
Identifiers: ClinVar variation 5016822 (VCV005016822.1).

ClinVar aggregate classification (germline): Pathogenic (1 of 4 stars; one submission).

Submission:

GeneDx
Classification: Pathogenic. Last evaluated: 2026-04-08. Review status: criteria provided, single submitter. Criteria: GeneDx Variant Classification Process June 2021. Collection method: clinical testing. Allele origin: germline.
Comment: Nonsense variant predicted to result in protein truncation, as the last 3540 amino acid(s) are lost, and other loss-of-function variants have been reported downstream in HGMD; Has not been previously published as pathogenic or benign to our knowledge; This variant is associated with the following publications: (PMID: 16444271)